The following is an entry in ClinVar:

ClinVar aggregate classification (germline): Uncertain significance. Review status: criteria provided, single submitter (1 of 4 stars). 2 submissions from 2 submitters: Uncertain significance (1). 1 of the submissions does not count toward it. Last evaluated 2022-09-01.

Conditions:
Nemaline myopathy 2 (NEM2). Also called: Nemaline myopathy 2, autosomal recessive. Identifiers: MedGen C1850569, MONDO:0009725, OMIM 256030.

gnomAD v4.1: 5 of 1,613,882 alleles (0.00031%); highest among the groups gnomAD compares: Non-Finnish European, 0.00034%; no homozygotes.

Submissions (2):

Labcorp Genetics (formerly Invitae), Labcorp
Classification: Uncertain significance for Nemaline myopathy 2. Last evaluated: 2022-09-01. Review status: criteria provided, single submitter. Criteria: Invitae Variant Classification Sherloc (09022015). Collection method: clinical testing. Allele origin: germline.
Comment: This sequence change replaces histidine, which is basic and polar, with aspartic acid, which is acidic and polar, at codon 5994 of the NEB protein (p.His5994Asp). This variant is not present in population databases (gnomAD no frequency). This variant has not been reported in the literature in individuals affected with NEB-related conditions. ClinVar contains an entry for this variant (Variation ID: 863623). Algorithms developed to predict the effect of missense changes on protein structure and function are either unavailable or do not agree on the potential impact of this missense change (SIFT: "Deleterious"; PolyPhen-2: "Not Available"; Align-GVGD: "Class C0"). In summary, the available evidence is currently insufficient to determine the role of this variant in disease. Therefore, it has been classified as a Variant of Uncertain Significance.

Natera, Inc.
Classification: Uncertain significance for Nemaline myopathy type 2. Last evaluated: 2020-03-11. Review status: no assertion criteria provided. Collection method: clinical testing. Allele origin: germline. Not counted in ClinVar's aggregate classification.

NM_001164508.2(NEB):c.17980C>G (p.His5994Asp)

Gene: NEB (nebulin; minus strand). Cytogenetic location: 2q23.3.
Variant type: single nucleotide variant.
Coding change: c.17980C>G on transcript NM_001164508.2 (MANE Select); coding-DNA position 17980, C replaced by G.
Protein change: p.His5994Asp; replaces histidine 5994 with aspartic acid.
Molecular consequence: missense variant.
Genome position (GRCh38, 1-based): chr2:151,567,344, G>C on the plus strand (C>G on the coding strand, the complement: NEB is on the minus strand). VCF-style: chr2-151567344-G-C. GRCh37 (hg19) VCF-style: chr2-152423858-G-C.
Other names: c.17980C>G, p.His5994Asp (NM_001164507.2, NM_001271208.2); c.12877C>G, p.His4293Asp (NM_004543.5); short protein forms H5994D, H4293D.
Identifiers: ClinVar variation 863623 (VCV000863623.5), dbSNP rs764985237, ClinGen allele CA348803624.